The following is an entry in ClinVar:

NM_000520.6(HEXA):c.21G>A (p.Trp7Ter)

Gene: HEXA (hexosaminidase subunit alpha; minus strand). Cytogenetic location: 15q23.
Variant type: single nucleotide variant.
Coding change: c.21G>A on transcript NM_000520.6 (MANE Select); coding-DNA position 21, G replaced by A.
Protein change: p.Trp7Ter; replaces tryptophan 7 with a stop codon.
Molecular consequence: nonsense. On other transcripts: non-coding transcript variant (1).
Genome position (GRCh38, 1-based): chr15:72,375,952, C>T on the plus strand (G>A on the coding strand, the complement: HEXA is on the minus strand). VCF-style: chr15-72375952-C-T. GRCh37 (hg19) VCF-style: chr15-72668293-C-T.
Other names: c.21G>A, p.Trp7Ter (NM_001318825.2); c.21G>A (NM_000520.5); short protein forms W7*.
Identifiers: ClinVar variation 523866 (VCV000523866.5), dbSNP rs1407480461, ClinGen allele CA393070837.
Genomic context (GRCh38, chr15:72,375,952, plus strand): 5'-AGGCCAGGGCCAGAGGGCCGTCGCCCGTCCTGCGAACGCTGCCGCCAGCAGCAGCGAAAA[C>T]CAAAGCCTGGAGCTTGTCATGGCCCGCTGGTCTCCCCTCTCGGAGGGGGCTGGCCACGTG-3'

ClinVar aggregate classification (germline): Pathogenic/Likely pathogenic. Review status: criteria provided, multiple submitters, no conflicts (2 of 4 stars). 3 submissions from 3 submitters: Pathogenic (1); Likely pathogenic (2). Last evaluated 2025-11-18.

Conditions:
Tay-Sachs disease (TSD). Also called: HEXA Disorders; HEXA DEFICIENCY; GM2 gangliosidosis, type 1; Hexosaminidase alpha-subunit deficiency (variant B); Sphingolipidosis, Tay-Sachs; Hexosaminidase A Deficiency. Identifiers: Orphanet 845, MedGen C0039373, MONDO:0010100, OMIM 272800.

gnomAD v4.1: 1 of 1,614,038 alleles (0.000062%); highest among the groups gnomAD compares: Non-Finnish European, 0.000085%; no homozygotes.

Submissions (3):

Natera, Inc.
Classification: Likely pathogenic for Tay-Sachs disease. Last evaluated: 2025-11-18. Review status: criteria provided, single submitter. Criteria: Natera Variant Classification Schema (03/2026). Collection method: clinical testing. Allele origin: germline.
Comment: The c.21G>A variant in HEXA is a nonsense variant predicted to introduce a stop codon at amino acid 7. This variant is expected to result in nonsense mediated decay, truncation, or a dysfunctional protein product. This variant is rare in the general population with a frequency below the threshold expected for the associated phenotype(s). Given the available evidence, this variant is classified as Likely Pathogenic.

Labcorp Genetics (formerly Invitae), Labcorp
Classification: Pathogenic for Tay-Sachs disease. Last evaluated: 2024-10-21. Review status: criteria provided, single submitter. Criteria: Invitae Variant Classification Sherloc (09022015). Collection method: clinical testing. Allele origin: germline.
Comment: This sequence change creates a premature translational stop signal (p.Trp7*) in the HEXA gene. It is expected to result in an absent or disrupted protein product. Loss-of-function variants in HEXA are known to be pathogenic (PMID: 1833974, 8490625). This variant is not present in population databases (gnomAD no frequency). This variant has not been reported in the literature in individuals affected with HEXA-related conditions. ClinVar contains an entry for this variant (Variation ID: 523866). For these reasons, this variant has been classified as Pathogenic.

GeneDx
Classification: Likely pathogenic. Last evaluated: 2018-04-16. Review status: criteria provided, single submitter. Criteria: GeneDx Variant Classification (06012015). Collection method: clinical testing. Allele origin: germline. Affected: yes.
Comment: The W7X variant in the HEXA gene has not been reported previously as a pathogenic variant nor as a benign variant, to our knowledge. This variant is predicted to cause loss of normal protein function either through protein truncation or nonsense-mediated mRNA decay. The W7X variant is not observed in large population cohorts (Lek et al., 2016). We interpret W7X as a likely pathogenic variant.

Literature cited by the submitters: PubMed 1833974 (cited by Labcorp Genetics (formerly Invitae), Labcorp); PubMed 8490625 (cited by Labcorp Genetics (formerly Invitae), Labcorp).